The following is an entry in ClinVar:

ClinVar aggregate classification (germline): Uncertain significance (1 of 4 stars; one submission).

Submission:

GeneDx
Classification: Uncertain significance. Last evaluated: 2025-04-02. Review status: criteria provided, single submitter. Criteria: GeneDx Variant Classification Process June 2021. Collection method: clinical testing. Allele origin: germline. Affected: yes.
Comment: Not observed at significant frequency in large population cohorts (gnomAD); In-frame deletion of 2 amino acid(s) in a non-repeat region; In silico analysis indicates that this variant does not alter protein structure/function; Has not been previously published as pathogenic or benign to our knowledge

NM_001170629.2(CHD8):c.6727_6732del (p.Arg2243_Arg2244del)

Gene: CHD8 (chromodomain helicase DNA binding protein 8; minus strand). Cytogenetic location: 14q11.2.
Variant type: Deletion.
Coding change: c.6727_6732del on transcript NM_001170629.2 (MANE Select); coding-DNA positions 6727 to 6732, 6 bases deleted (CGCCGA; older notation c.6727_6732delCGCCGA).
Protein change: p.Arg2243_Arg2244del.
Molecular consequence: inframe deletion.
Genome position (GRCh38, 1-based): chr14:21,392,546-21,392,551, TCGGCG deleted on the plus strand (CGCCGA on the coding strand, the reverse complement: CHD8 is on the minus strand). VCF-style (leftmost placement, unchanged base first): chr14-21392545-CTCGGCG-C. GRCh37 (hg19) VCF-style: chr14-21860704-CTCGGCG-C.
Other names: c.5890_5895del, p.Arg1964_Arg1965del (NM_020920.4).
Identifiers: ClinVar variation 4278880 (VCV004278880.1).